The following is an entry in ClinVar:

NM_001041.4(SI):c.1196C>T (p.Thr399Ile)

Gene: SI (sucrase-isomaltase; minus strand). Cytogenetic location: 3q26.1.
Variant type: single nucleotide variant.
Coding change: c.1196C>T on transcript NM_001041.4 (MANE Select); coding-DNA position 1196, C replaced by T.
Protein change: p.Thr399Ile; replaces threonine 399 with isoleucine.
Molecular consequence: missense variant.
Genome position (GRCh38, 1-based): chr3:165,059,250, G>A on the plus strand (C>T on the coding strand, the complement: SI is on the minus strand). VCF-style: chr3-165059250-G-A. GRCh37 (hg19) VCF-style: chr3-164777038-G-A.
Other names: short protein forms T399I.
Identifiers: ClinVar variation 4760731 (VCV004760731.1).

ClinVar aggregate classification (germline): Uncertain significance (1 of 4 stars; one submission).

gnomAD v4.1: 9 of 1,612,742 alleles (0.00056%); highest among the groups gnomAD compares: African/African-American, 0.0013%; no homozygotes.

Submission:

Labcorp Genetics (formerly Invitae), Labcorp
Classification: Uncertain significance. Last evaluated: 2025-11-28. Review status: criteria provided, single submitter. Criteria: Invitae Variant Classification Sherloc (09022015). Collection method: clinical testing. Allele origin: germline.
Comment: This sequence change replaces threonine, which is neutral and polar, with isoleucine, which is neutral and non-polar, at codon 399 of the SI protein (p.Thr399Ile). This variant is not present in population databases (gnomAD no frequency). This variant has not been reported in the literature in individuals affected with SI-related conditions. Invitae Evidence Modeling of protein sequence and biophysical properties (such as structural, functional, and spatial information, amino acid conservation, physicochemical variation, residue mobility, and thermodynamic stability) has been performed for this missense variant. However, the output from this modeling did not meet the statistical confidence thresholds required to predict the impact of this variant on SI protein function. In summary, the available evidence is currently insufficient to determine the role of this variant in disease. Therefore, it has been classified as a Variant of Uncertain Significance.